The following is an entry in ClinVar:

NM_021830.5(TWNK):c.1511C>T (p.Ala504Val)

Gene: TWNK (twinkle mtDNA helicase; plus strand). Cytogenetic location: 10q24.31.
Variant type: single nucleotide variant.
Coding change: c.1511C>T on transcript NM_021830.5 (MANE Select); coding-DNA position 1511, C replaced by T.
Protein change: p.Ala504Val; replaces alanine 504 with valine.
Molecular consequence: missense variant. On other transcripts: non-coding transcript variant (5).
Genome position (GRCh38, 1-based): chr10:100,990,462, C>T. VCF-style: chr10-100990462-C-T. GRCh37 (hg19) VCF-style: chr10-102750219-C-T.
Other names: c.1511C>T, p.Ala504Val (NM_001163812.2); c.149C>T, p.Ala50Val (NM_001163813.2, NM_001163814.2, NM_001368275.1); short protein forms A504V, A50V.
Identifiers: ClinVar variation 2684292 (VCV002684292.2), dbSNP rs2493639702, ClinGen allele CA378211086.

ClinVar aggregate classification (germline): Uncertain significance. Review status: criteria provided, multiple submitters, no conflicts (2 of 4 stars). 2 submissions from 2 submitters: Uncertain significance (2). Last evaluated 2026-05-05.

Submissions (2):

Women's Health and Genetics/Laboratory Corporation of America, LabCorp
Classification: Uncertain significance. Last evaluated: 2026-05-05. Review status: criteria provided, single submitter. Criteria: LabCorp Variant Classification Summary - May 2015. Collection method: clinical testing. Allele origin: germline.
Comment: Variant summary: TWNK c.1511C>T (p.Ala504Val) results in a non-conservative amino acid change in the encoded protein sequence. Algorithms developed to predict the effect of missense changes on protein structure and function all suggest that this variant is likely to be disruptive. The variant was absent in 251494 control chromosomes. The available data on variant occurrences in the general population are insufficient to allow any conclusion about variant significance. c.1511C>T has been observed in individual(s) affected with Mitochondrial Encephalomyopathy, Lactic Acidosis, and Stroke-like episodes (MELAS) without revelation of genotype zygosity in such individual(s) (Zhao_2024). These report(s) do not provide unequivocal conclusions about association of the variant with Infantile Onset Spinocerebellar Ataxia. To our knowledge, no experimental evidence demonstrating an impact on protein function has been reported. The following publication have been ascertained in the context of this evaluation (PMID: 39118480). ClinVar contains an entry for this variant (Variation ID: 2684292). Based on the evidence outlined above, the variant was classified as uncertain significance.

Athena Diagnostics
Classification: Uncertain significance. Last evaluated: 2023-03-01. Review status: criteria provided, single submitter. Criteria: Athena Diagnostics Criteria. Collection method: clinical testing. Allele origin: unknown.
Comment: Available data are insufficient to determine the clinical significance of the variant at this time. This variant has not been reported in large, multi-ethnic general populations. This variant has been identified in at least one individual with clinical features associated with this gene. Computational tools predict that this variant is damaging.

Literature cited by the submitters: PubMed 39118480 (cited by Women's Health and Genetics/Laboratory Corporation of America, LabCorp); PubMed 31762033 (cited by Athena Diagnostics); PubMed 31652339 (cited by Athena Diagnostics); PubMed 34040194 (cited by Athena Diagnostics).